The following is an entry in ClinVar:

ClinVar aggregate classification (germline): Pathogenic (1 of 4 stars; one submission).

Submission:

Labcorp Genetics (formerly Invitae), Labcorp
Classification: Pathogenic. Last evaluated: 2023-08-17. Review status: criteria provided, single submitter. Criteria: Invitae Variant Classification Sherloc (09022015). Collection method: clinical testing. Allele origin: germline.
Comment: For these reasons, this variant has been classified as Pathogenic. Advanced modeling of protein sequence and biophysical properties (such as structural, functional, and spatial information, amino acid conservation, physicochemical variation, residue mobility, and thermodynamic stability) performed at Invitae indicates that this missense variant is expected to disrupt ABCA4 protein function. ClinVar contains an entry for this variant (Variation ID: 850321). This missense change has been observed in individual(s) with cone-rod dystrophy and/or Stargardt disease (PMID: 32534057, 33301772; Invitae). In at least one individual the data is consistent with being in trans (on the opposite chromosome) from a pathogenic variant. This variant is not present in population databases (gnomAD no frequency). This sequence change replaces leucine, which is neutral and non-polar, with proline, which is neutral and non-polar, at codon 411 of the ABCA4 protein (p.Leu411Pro).

Literature cited by the submitters: PubMed 32534057; PubMed 33301772.

NM_000350.3(ABCA4):c.1232T>C (p.Leu411Pro)

Gene: ABCA4 (ATP binding cassette subfamily A member 4; minus strand). Cytogenetic location: 1p22.1.
Variant type: single nucleotide variant.
Coding change: c.1232T>C on transcript NM_000350.3 (MANE Select); coding-DNA position 1232, T replaced by C.
Protein change: p.Leu411Pro; replaces leucine 411 with proline.
Molecular consequence: missense variant.
Genome position (GRCh38, 1-based): chr1:94,079,329, A>G on the plus strand (T>C on the coding strand, the complement: ABCA4 is on the minus strand). VCF-style: chr1-94079329-A-G. GRCh37 (hg19) VCF-style: chr1-94544885-A-G.
Other names: c.1232T>C, p.Leu411Pro (NM_001425324.1); short protein forms L411P.
Identifiers: ClinVar variation 850321 (VCV000850321.7), dbSNP rs1661623028, ClinGen allele CA341283271.